The following is an entry in ClinVar:

ClinVar aggregate classification (germline): Likely pathogenic. Review status: criteria provided, multiple submitters, no conflicts (2 of 4 stars). 2 submissions from 2 submitters: Likely pathogenic (2). Last evaluated 2025-07-15.

Conditions:
DNA ligase IV deficiency. Identifiers: Orphanet 99812, MedGen C1847827, MONDO:0011686, OMIM 606593.

Submissions (2):

Women's Health and Genetics/Laboratory Corporation of America, LabCorp
Classification: Likely pathogenic for DNA ligase IV deficiency. Last evaluated: 2025-07-15. Review status: criteria provided, single submitter. Criteria: LabCorp Variant Classification Summary - May 2015. Collection method: clinical testing. Allele origin: germline.
Comment: Variant summary: LIG4 c.845A>G (p.His282Arg) results in a non-conservative amino acid change in the encoded protein sequence. Algorithms developed to predict the effect of missense changes on protein structure and function all suggest that this variant is likely to be disruptive. The variant allele was found at a frequency of 4e-06 in 250524 control chromosomes (gnomAD). c.845A>G has been observed in individuals affected with clinical features of LIG4 Syndrome (e.g. Ijspeert_2013, Kuzmenko_2024). These data indicate that the variant may be associated with disease. A different variant affecting the same codon has been classified as pathogenic by our lab (c.845A>T, p.His282Leu), supporting the critical relevance of codon 282 to LIG4 protein function. To our knowledge, no experimental evidence demonstrating an impact on protein function has been reported. The following publications have been ascertained in the context of this evaluation (PMID: 24027040, 39052144). ClinVar contains an entry for this variant (Variation ID: 2137540). Based on the evidence outlined above, the variant was classified as likely pathogenic.

Labcorp Genetics (formerly Invitae), Labcorp
Classification: Likely pathogenic for DNA ligase IV deficiency. Last evaluated: 2023-10-13. Review status: criteria provided, single submitter. Criteria: Invitae Variant Classification Sherloc (09022015). Collection method: clinical testing. Allele origin: germline.
Comment: This sequence change replaces histidine, which is basic and polar, with arginine, which is basic and polar, at codon 282 of the LIG4 protein (p.His282Arg). This variant is present in population databases (no rsID available, gnomAD 0.003%). This missense change has been observed in individual(s) with clinical features of LIG4 syndrome (PMID: 24027040). ClinVar contains an entry for this variant (Variation ID: 2137540). Advanced modeling of protein sequence and biophysical properties (such as structural, functional, and spatial information, amino acid conservation, physicochemical variation, residue mobility, and thermodynamic stability) performed at Invitae indicates that this missense variant is expected to disrupt LIG4 protein function. This variant disrupts the p.His282 amino acid residue in LIG4. Other variant(s) that disrupt this residue have been determined to be pathogenic (PMID: 16585603, 18845326, 31604460). This suggests that this residue is clinically significant, and that variants that disrupt this residue are likely to be disease-causing. In summary, the currently available evidence indicates that the variant is pathogenic, but additional data are needed to prove that conclusively. Therefore, this variant has been classified as Likely Pathogenic.

Literature cited by the submitters: PubMed 24027040 (cited by Women's Health and Genetics/Laboratory Corporation of America, LabCorp and Labcorp Genetics (formerly Invitae), Labcorp); PubMed 39052144 (cited by Women's Health and Genetics/Laboratory Corporation of America, LabCorp); PubMed 16585603 (cited by Labcorp Genetics (formerly Invitae), Labcorp); PubMed 18845326 (cited by Labcorp Genetics (formerly Invitae), Labcorp); PubMed 31604460 (cited by Labcorp Genetics (formerly Invitae), Labcorp).

NM_206937.2(LIG4):c.845A>G (p.His282Arg)

Gene: LIG4 (DNA ligase 4; minus strand). Cytogenetic location: 13q33.3.
Variant type: single nucleotide variant.
Coding change: c.845A>G on transcript NM_206937.2 (MANE Select); coding-DNA position 845, A replaced by G.
Protein change: p.His282Arg; replaces histidine 282 with arginine.
Molecular consequence: missense variant.
Genome position (GRCh38, 1-based): chr13:108,210,424, T>C on the plus strand (A>G on the coding strand, the complement: LIG4 is on the minus strand). VCF-style: chr13-108210424-T-C. GRCh37 (hg19) VCF-style: chr13-108862772-T-C.
Other names: c.845A>G, p.His282Arg (NM_001098268.2, NM_001352598.2, NM_001352599.2 and 6 more transcripts); c.644A>G, p.His215Arg (NM_001330595.2); c.881A>G, p.His294Arg (NM_001352604.2); short protein forms H215R, H282R, H294R.
Identifiers: ClinVar variation 2137540 (VCV002137540.5), dbSNP rs777008519, ClinGen allele CA388619757.